The following is an entry in ClinVar:

ClinVar aggregate classification (germline): Benign/Likely benign. Review status: criteria provided, multiple submitters, no conflicts (2 of 4 stars). 6 submissions from 6 submitters: Benign (1); Likely benign (4). 1 of the submissions does not count toward it. Last evaluated 2026-07-01.

Conditions:
ANK3-related disorder. Also called: ANK3-related condition.
Intellectual developmental disorder, autosomal recessive 37. Also called: Intellectual disability-hypotonia-spasticity-sleep disorder syndrome. Identifiers: Orphanet 356996, MedGen C3809672, MONDO:0014210, OMIM 615493.

Allele frequency attached by ClinVar (database versions not stated): ESP Exome Variant Server 0.00484; gnomAD 0.00503 and 0.00521; gnomAD exomes 0.00573 and 0.00649; 1000 Genomes Project 30x 0.00484; 1000 Genomes Project 0.00539; TOPMed 0.00539; ExAC 0.00543.
gnomAD v4.1: 10,280 of 1,613,858 alleles (0.64%); highest among the groups gnomAD compares: Middle Eastern, 1.3%; 54 homozygotes.

Submissions (6):

CeGaT Center for Human Genetics Tuebingen
Classification: Likely benign. Last evaluated: 2026-07-01. Review status: criteria provided, single submitter. Criteria: CeGaT Center For Human Genetics Tuebingen Variant Classification Criteria Version 2. Collection method: clinical testing. Allele origin: germline. Affected: yes. Observed: 51 variant alleles.
Comment: ANK3: BP4, BS2

Labcorp Genetics (formerly Invitae), Labcorp
Classification: Likely benign. Last evaluated: 2026-01-19. Review status: criteria provided, single submitter. Criteria: Invitae Variant Classification Sherloc (09022015). Collection method: clinical testing. Allele origin: germline.

Fulgent Genetics
Classification: Likely benign for Intellectual developmental disorder, autosomal recessive 37. Last evaluated: 2022-05-19. Review status: criteria provided, single submitter. Criteria: ACMG Guidelines, 2015. Collection method: clinical testing. Allele origin: unknown.

Genetic Services Laboratory, University of Chicago
Classification: Benign. Last evaluated: 2016-03-14. Review status: criteria provided, single submitter. Criteria: ACMG Guidelines, 2015. Collection method: clinical testing. Allele origin: germline. Affected: no.

Breakthrough Genomics
Classification: Likely benign. Review status: criteria provided, single submitter. Criteria: ACMG Guidelines, 2015. Collection method: not provided. Allele origin: germline. Inheritance: Autosomal recessive inheritance. Affected: yes.

PreventionGenetics, part of Exact Sciences
Classification: Benign for ANK3-related condition. Last evaluated: 2021-03-26. Review status: no assertion criteria provided. Collection method: clinical testing. Allele origin: germline. Not counted in ClinVar's aggregate classification.
Comment: This variant is classified as benign based on ACMG/AMP sequence variant interpretation guidelines (Richards et al. 2015 PMID: 25741868, with internal and published modifications).

NM_020987.5(ANK3):c.13106G>A (p.Arg4369Gln)

Gene: ANK3 (ankyrin 3; minus strand). Cytogenetic location: 10q21.2.
Variant type: single nucleotide variant.
Coding change: c.13106G>A on transcript NM_020987.5 (MANE Select); coding-DNA position 13106, G replaced by A.
Protein change: p.Arg4369Gln; replaces arginine 4369 with glutamine.
Molecular consequence: missense variant.
Genome position (GRCh38, 1-based): chr10:60,042,719, C>T on the plus strand (G>A on the coding strand, the complement: ANK3 is on the minus strand). VCF-style: chr10-60042719-C-T. GRCh37 (hg19) VCF-style: chr10-61802477-C-T.
Other names: c.2978G>A, p.Arg993Gln (NM_001149.4); c.5558G>A, p.Arg1853Gln (NM_001204403.2); c.5579G>A, p.Arg1860Gln (NM_001204404.2); c.5576G>A, p.Arg1859Gln (NM_001320874.2); short protein forms R1853Q, R4369Q, R993Q, R1859Q, R1860Q.
Identifiers: ClinVar variation 434147 (VCV000434147.45), dbSNP rs141939315, ClinGen allele CA5510635.